The following is an entry in ClinVar:

ClinVar aggregate classification (germline): Uncertain significance (1 of 4 stars; one submission).

gnomAD v4.1: 2 of 1,610,442 alleles (0.00012%); highest among the groups gnomAD compares: Non-Finnish European, 0.00017%; no homozygotes.

Submission:

Labcorp Genetics (formerly Invitae), Labcorp
Classification: Uncertain significance. Last evaluated: 2020-03-14. Review status: criteria provided, single submitter. Criteria: Invitae Variant Classification Sherloc (09022015). Collection method: clinical testing. Allele origin: germline.
Comment: In summary, the available evidence is currently insufficient to determine the role of this variant in disease. Therefore, it has been classified as a Variant of Uncertain Significance. Algorithms developed to predict the effect of missense changes on protein structure and function output the following: SIFT: "Tolerated"; PolyPhen-2: "Benign"; Align-GVGD: "Class C0". The serine amino acid residue is found in multiple mammalian species, suggesting that this missense change does not adversely affect protein function. These predictions have not been confirmed by published functional studies and their clinical significance is uncertain. This variant has not been reported in the literature in individuals with PCARE-related conditions. This variant is not present in population databases (ExAC no frequency). This sequence change replaces proline with serine at codon 903 of the PCARE protein (p.Pro903Ser). The proline residue is moderately conserved and there is a moderate physicochemical difference between proline and serine.

NM_001029883.3(PCARE):c.2707C>T (p.Pro903Ser)

Gene: PCARE (photoreceptor cilium actin regulator; minus strand). Cytogenetic location: 2p23.2.
Variant type: single nucleotide variant.
Coding change: c.2707C>T on transcript NM_001029883.3 (MANE Select); coding-DNA position 2707, C replaced by T.
Protein change: p.Pro903Ser; replaces proline 903 with serine.
Molecular consequence: missense variant.
Genome position (GRCh38, 1-based): chr2:29,071,555, G>A on the plus strand (C>T on the coding strand, the complement: PCARE is on the minus strand). VCF-style: chr2-29071555-G-A. GRCh37 (hg19) VCF-style: chr2-29294421-G-A.
Other names: short protein forms P903S.
Identifiers: ClinVar variation 1039353 (VCV001039353.8), dbSNP rs771188017, ClinGen allele CA346476603.
Genomic context (GRCh38, chr2:29,071,555, plus strand): 5'-CCAGGGCTGGCTTCCTGGGCTGGCAGCTGCTCCTGCCACTCCCTGGCCCTGTGCTGTGAG[G>A]CTTGGTCAGGCTGGCGGTGCTCTTGCTGGGCAGCAAGTCCAGGGGGCTCACAGAGGCCCT-3'
Protein context (NP_001025054.1, residues 893-913): PSKSTASLTK[Pro903Ser]HSTGPGSGRS